The following is an entry in ClinVar:

ClinVar aggregate classification (germline): Uncertain significance (1 of 4 stars; one submission).

Submission:

Labcorp Genetics (formerly Invitae), Labcorp
Classification: Uncertain significance. Last evaluated: 2021-12-19. Review status: criteria provided, single submitter. Criteria: Invitae Variant Classification Sherloc (09022015). Collection method: clinical testing. Allele origin: germline.
Comment: In summary, the available evidence is currently insufficient to determine the role of this variant in disease. Therefore, it has been classified as a Variant of Uncertain Significance. Algorithms developed to predict the effect of missense changes on protein structure and function are either unavailable or do not agree on the potential impact of this missense change (SIFT: "Tolerated"; PolyPhen-2: "Probably Damaging"; Align-GVGD: "Class C0"). This variant has not been reported in the literature in individuals affected with TECTA-related conditions. This variant is not present in population databases (gnomAD no frequency). This sequence change replaces cysteine, which is neutral and slightly polar, with serine, which is neutral and polar, at codon 591 of the TECTA protein (p.Cys591Ser).

NM_005422.4(TECTA):c.1771T>A (p.Cys591Ser)

Genes: TBCEL-TECTA (TBCEL-TECTA readthrough; plus strand), TECTA (tectorin alpha; plus strand). Cytogenetic location: 11q23.3.
Variant type: single nucleotide variant.
Coding change: c.1771T>A on transcript NM_005422.4 (MANE Select); coding-DNA position 1771, T replaced by A.
Protein change: p.Cys591Ser; replaces cysteine 591 with serine.
Molecular consequence: missense variant.
Genome position (GRCh38, 1-based): chr11:121,125,869, T>A. VCF-style: chr11-121125869-T-A. GRCh37 (hg19) VCF-style: chr11-120996578-T-A.
Other names: c.2728T>A, p.Cys910Ser (NM_001378761.1); short protein forms C591S, C910S.
Identifiers: ClinVar variation 2048323 (VCV002048323.4), dbSNP rs2496918126, ClinGen allele CA383012784.